The following is an entry in ClinVar:

NM_015076.5(CDK19):c.313T>C (p.Trp105Arg)

Gene: CDK19 (cyclin dependent kinase 19; minus strand). Cytogenetic location: 6q21.
Variant type: single nucleotide variant.
Coding change: c.313T>C on transcript NM_015076.5 (MANE Select); coding-DNA position 313, T replaced by C.
Protein change: p.Trp105Arg; replaces tryptophan 105 with arginine.
Molecular consequence: missense variant.
Genome position (GRCh38, 1-based): chr6:110,670,433, A>G on the plus strand (T>C on the coding strand, the complement: CDK19 is on the minus strand). VCF-style: chr6-110670433-A-G. GRCh37 (hg19) VCF-style: chr6-110991636-A-G.
Other names: c.313T>C, p.Trp105Arg (NM_001300960.2); c.133T>C, p.Trp45Arg (NM_001300963.2, NM_001300964.2); short protein forms W105R, W45R.
Identifiers: ClinVar variation 3372523 (VCV003372523.1).

ClinVar aggregate classification (germline): Uncertain significance (1 of 4 stars; one submission).

Submission:

GeneDx
Classification: Uncertain significance. Last evaluated: 2024-04-11. Review status: criteria provided, single submitter. Criteria: GeneDx Variant Classification Process June 2021. Collection method: clinical testing. Allele origin: germline. Affected: yes.
Comment: Not observed at significant frequency in large population cohorts (gnomAD); In silico analysis supports that this missense variant has a deleterious effect on protein structure/function; Has not been previously published as pathogenic or benign to our knowledge